The following is an entry in ClinVar:

NM_138694.4(PKHD1):c.6900C>T (p.Asn2300=)

Gene: PKHD1 (PKHD1 ciliary IPT domain containing fibrocystin/polyductin; minus strand). Cytogenetic location: 6p12.2.
Variant type: single nucleotide variant.
Coding change: c.6900C>T on transcript NM_138694.4 (MANE Select); coding-DNA position 6900, C replaced by T.
Protein change: p.Asn2300=; no amino-acid change (asparagine 2300 retained).
Molecular consequence: synonymous variant.
Genome position (GRCh38, 1-based): chr6:51,903,693, G>A on the plus strand (C>T on the coding strand, the complement: PKHD1 is on the minus strand). VCF-style: chr6-51903693-G-A. GRCh37 (hg19) VCF-style: chr6-51768491-G-A.
Other names: c.6900C>T, p.Asn2300= (NM_170724.3).
Identifiers: ClinVar variation 558073 (VCV000558073.25), dbSNP rs776060304, ClinGen allele CA3852126.

ClinVar aggregate classification (germline): Pathogenic/Likely pathogenic. Review status: criteria provided, multiple submitters, no conflicts (2 of 4 stars). 9 submissions from 9 submitters: Pathogenic (4); Likely pathogenic (3). 2 of the submissions do not count toward it. Last evaluated 2025-11-12.

Conditions:
Polycystic kidney disease 4 (PKD4). Also called: POLYCYSTIC KIDNEY AND HEPATIC DISEASE 1; POLYCYSTIC KIDNEY DISEASE, INFANTILE, TYPE I; Autosomal Recessive Polycystic Kidney Disease – PKHD1; PKD3; POLYCYSTIC KIDNEY DISEASE 4 WITH OR WITHOUT POLYCYSTIC LIVER DISEASE. Identifiers: MedGen C4540575, MONDO:0033004, OMIM 263200.
Autosomal recessive polycystic kidney disease (ARPKD). Also called: AR polycystic kidney disease. Identifiers: Orphanet 731, Orphanet 8378, MedGen C0085548, MeSH D017044, MONDO:0009889.
PKHD1-related disorder. Also called: PKHD1-related condition.

Allele frequency attached by ClinVar (database versions not stated): TOPMed 0.00003; gnomAD 0.00004; ExAC 0.00002; gnomAD exomes 0.00002.
gnomAD v4.1: 38 of 1,610,438 alleles (0.0024%); highest among the groups gnomAD compares: Non-Finnish European, 0.0029%; no homozygotes.

Submissions (9):

Labcorp Genetics (formerly Invitae), Labcorp
Classification: Pathogenic for Autosomal recessive polycystic kidney disease. Last evaluated: 2025-11-12. Review status: criteria provided, single submitter. Criteria: Invitae Variant Classification Sherloc (09022015). Collection method: clinical testing. Allele origin: germline.
Comment: This sequence change affects codon 2300 of the PKHD1 mRNA. It is a 'silent' change, meaning that it does not change the encoded amino acid sequence of the PKHD1 protein. RNA analysis indicates that this variant induces altered splicing and may result in an absent or altered protein product. This variant is present in population databases (rs776060304, gnomAD 0.004%). This variant has been observed in individual(s) with polycystic kidney disease (PMID: 15698423, 15805161, 28170084; internal data). In at least one individual the data is consistent with being in trans (on the opposite chromosome) from a pathogenic variant. ClinVar contains an entry for this variant (Variation ID: 558073). Studies have shown that this variant results in aberrant mRNA splicing, and produces a non-functional protein and/or introduces a premature termination codon (PMID: 28170084). For these reasons, this variant has been classified as Pathogenic.

Natera, Inc.
Classification: Likely pathogenic for Autosomal recessive polycystic kidney disease. Last evaluated: 2025-08-17. Review status: criteria provided, single submitter. Criteria: Natera Variant Classification Schema (03/2026). Collection method: clinical testing. Allele origin: germline.
Comment: The c.6900C>T variant in PKHD1 is a synonymous variant that does not alter the encoded amino acid at position 2300 (p.N2300=). This variant is rare in the general population with a frequency below the threshold expected for the associated phenotype(s). This variant has been observed in one or more individuals affected with the associated recessive disease, as either homozygous or compound heterozygous with a second variant (PMID: 33940108, 33059616). Functional studies show that this variant may disrupt protein function (PMID: 28170084). Given the available evidence, this variant is classified as Likely Pathogenic.

GeneDx
Classification: Pathogenic. Last evaluated: 2025-05-12. Review status: criteria provided, single submitter. Criteria: GeneDx Variant Classification Process June 2021. Collection method: clinical testing. Allele origin: germline. Affected: yes.
Comment: Published functional studies suggest an aberrant splice effect, resulting in a shorter, out-of-frame transcript (PMID: 28170084, 33059616); Not observed at significant frequency in large population cohorts (gnomAD); This variant is associated with the following publications: (PMID: 28170084, 33059616, 33940108, 15698423, 15805161)

Blueprint Genetics
Classification: Pathogenic for PKHD1-related disorders. Last evaluated: 2024-04-24. Review status: criteria provided, single submitter. Criteria: ACMG Guidelines, 2015. Collection method: clinical testing. Allele origin: germline. Affected: yes. Observed: 5 variant alleles.

Fulgent Genetics
Classification: Likely pathogenic for Polycystic kidney disease 4. Last evaluated: 2024-03-28. Review status: criteria provided, single submitter. Criteria: ACMG Guidelines, 2015. Collection method: clinical testing. Allele origin: germline.

Women's Health and Genetics/Laboratory Corporation of America, LabCorp
Classification: Likely pathogenic for Autosomal recessive polycystic kidney disease. Last evaluated: 2022-04-27. Review status: criteria provided, single submitter. Criteria: LabCorp Variant Classification Summary - May 2015. Collection method: clinical testing. Allele origin: germline.
Comment: Variant summary: PKHD1 c.6900C>T alters a conserved nucleotide resulting in a synonymous change. Several computational tools predict a significant impact on normal splicing: Two predict the variant strengthens a cryptic 3' acceptor site. One study reported the variant resulted in the skipping of 47 nucleotides of exon 43 resulting in a reading frame shift (Balci_2017), while a second study reported that while this alternate splicing of exon 43 occurs at a basal level in control cells, it is promoted by the synonymous change shifting the expression ratio in favour of a shorter, out-of-frame transcript (Molinari_2020). The variant allele was found at a frequency of 1.6e-05 in 251312 control chromosomes. c.6900C>T has been reported in the literature in multiple individuals affected with Polycystic Kidney And Hepatic Disease in the compound heterozygous and homozygous state (Balci_2017, Molinari_2020, Burgmaier_2021). These data indicate that the variant is likely to be associated with disease. Three clinical diagnostic laboratories have submitted clinical-significance assessments for this variant to ClinVar after 2014 without evidence for independent evaluation. One submitter classified the variant as likely pathogenic while two classified the variant as VUS. Based on the evidence outlined above, the variant was classified as likely pathogenic.

Juno Genomics, Hangzhou Juno Genomics, Inc
Classification: Pathogenic for Polycystic kidney disease 4. Review status: criteria provided, single submitter. Criteria: ACMG Guidelines, 2015. Collection method: clinical testing. Allele origin: germline.
Comment: Absent from controls (or at extremely low frequency if recessive) in Genome Aggregation Database.;Null variant in a gene where loss of function (LOF) is a known mechanism of disease.;For recessive disorders, detected in trans with a pathogenic variant.;Patient's phenotype or family history is highly specific for a disease with a single genetic etiology.

PreventionGenetics, part of Exact Sciences
Classification: Pathogenic for PKHD1-related condition. Last evaluated: 2024-07-07. Review status: no assertion criteria provided. Collection method: clinical testing. Allele origin: germline. Not counted in ClinVar's aggregate classification.
Comment: The PKHD1 c.6900C>T is a noncoding alteration. This variant has been reported in the homozygous and compound heterozygous state in individuals with PKHD1-related disease (Balci et al. 2017. PubMed ID: 28170084; Table S3, Burgmaier et al. 2021. PubMed ID: 33940108). The c.6900C site has been reported to be an exonic splicing enhancer and the C to T change caused aberrant mRNA splicing (a 47-nucleotide loss), resulting in a frameshift and premature protein termination (Balci et al. 2017. PubMed ID: 28170084; Molinari et al. 2020. PubMed ID: 33059616). This variant is reported in 0.0040% of alleles in individuals of African descent in gnomAD. This variant is interpreted as pathogenic.

Counsyl
Classification: Uncertain significance for Polycystic kidney disease 4. Last evaluated: 2018-05-01. Review status: no assertion criteria provided. Collection method: clinical testing. Allele origin: unknown. Not counted in ClinVar's aggregate classification.

Literature cited by the submitters: PubMed 15698423 (cited by 3 submitters); PubMed 15805161 (cited by 3 submitters); PubMed 28170084 (cited by 4 submitters); PubMed 33940108 (cited by Natera, Inc. and Women's Health and Genetics/Laboratory Corporation of America, LabCorp); PubMed 33059616 (cited by Natera, Inc. and Women's Health and Genetics/Laboratory Corporation of America, LabCorp).